The following is an entry in ClinVar:

NM_001372106.1(DNAH10):c.2207A>T (p.Tyr736Phe)

Gene: DNAH10 (dynein axonemal heavy chain 10; plus strand). Cytogenetic location: 12q24.31.
Variant type: single nucleotide variant.
Coding change: c.2207A>T on transcript NM_001372106.1 (MANE Select); coding-DNA position 2207, A replaced by T.
Protein change: p.Tyr736Phe; replaces tyrosine 736 with phenylalanine.
Molecular consequence: missense variant.
Genome position (GRCh38, 1-based): chr12:123,799,289, A>T. VCF-style: chr12-123799289-A-T. GRCh37 (hg19) VCF-style: chr12-124283836-A-T.
Other names: c.1853A>T, p.Tyr618Phe (NM_001083900.1, NM_207437.3); short protein forms Y618F, Y736F.
Identifiers: ClinVar variation 3050299 (VCV003050299.2), dbSNP rs199570902, ClinGen allele CA6862951.

ClinVar aggregate classification (germline): Likely benign (0 of 4 stars; one submission).

Conditions:
DNAH10-related disorder. Also called: DNAH10-related condition.

Allele frequency attached by ClinVar (database versions not stated): TOPMed 0.00016; gnomAD 0.00022; 1000 Genomes Project 30x 0.00031; ESP Exome Variant Server 0.00038; 1000 Genomes Project 0.00040; gnomAD exomes 0.00053; ExAC 0.00061.
gnomAD v4.1: 806 of 1,613,930 alleles (0.05%); highest among the groups gnomAD compares: South Asian, 0.39%; 4 homozygotes.

Submission:

PreventionGenetics, part of Exact Sciences
Classification: Likely benign for DNAH10-related condition. Last evaluated: 2021-03-15. Review status: no assertion criteria provided. Collection method: clinical testing. Allele origin: germline.
Comment: This variant is classified as likely benign based on ACMG/AMP sequence variant interpretation guidelines (Richards et al. 2015 PMID: 25741868, with internal and published modifications).